The following is an entry in ClinVar:

ClinVar aggregate classification (germline): Likely benign. Review status: criteria provided, multiple submitters, no conflicts (2 of 4 stars). 4 submissions from 4 submitters: Likely benign (4). Last evaluated 2026-10-01.

Conditions:
TTN-related disorder. Also called: TTN-related condition; TTN-related disease; TTN-related disorders.
Cardiovascular phenotype. Identifiers: MedGen CN230736.
Autosomal recessive limb-girdle muscular dystrophy type 2J (LGMDR10). Also called: Limb-girdle muscular dystrophy, type 2J; MUSCULAR DYSTROPHY, LIMB-GIRDLE, AUTOSOMAL RECESSIVE 10. Identifiers: Orphanet 140922, MedGen C1837342, MONDO:0012127, OMIM 608807.
Dilated cardiomyopathy 1G (CMD1G). Identifiers: Orphanet 154, MedGen C1858763, MONDO:0011400, OMIM 604145.

Allele frequency attached by ClinVar (database versions not stated): gnomAD exomes 0.00003 and 0.00008; ExAC 0.00004; gnomAD 0.00004 and 0.00005; TOPMed 0.00005; ESP Exome Variant Server 0.00008; 1000 Genomes Project 0.00020; 1000 Genomes Project 30x 0.00031.
gnomAD v4.1: 55 of 1,613,842 alleles (0.0034%); highest among the groups gnomAD compares: Admixed American, 0.035%; no homozygotes.

Submissions (4):

CeGaT Center for Human Genetics Tuebingen
Classification: Likely benign. Last evaluated: 2026-10-01. Review status: criteria provided, single submitter. Criteria: CeGaT Center For Human Genetics Tuebingen Variant Classification Criteria Version 2. Collection method: clinical testing. Allele origin: germline. Affected: yes. Observed: 5 variant alleles.
Comment: TTN: BP4, BP7

Labcorp Genetics (formerly Invitae), Labcorp
Classification: Likely benign for Dilated cardiomyopathy 1G; Autosomal recessive limb-girdle muscular dystrophy type 2J. Last evaluated: 2025-11-23. Review status: criteria provided, single submitter. Criteria: Invitae Variant Classification Sherloc (09022015). Collection method: clinical testing. Allele origin: germline.

PreventionGenetics, part of Exact Sciences
Classification: Likely benign for TTN-related condition. Last evaluated: 2025-03-21. Review status: criteria provided, single submitter. Criteria: ACMG Guidelines, 2015. Collection method: clinical testing. Allele origin: germline.
Comment: This variant is classified as likely benign based on ACMG/AMP sequence variant interpretation guidelines (Richards et al. 2015 PMID: 25741868, with internal and published modifications).

Ambry Genetics
Classification: Likely benign for Cardiovascular phenotype. Last evaluated: 2022-01-04. Review status: criteria provided, single submitter. Criteria: Ambry Variant Classification Scheme 2023. Collection method: clinical testing. Allele origin: germline.

NM_001267550.2(TTN):c.98319T>C (p.Tyr32773=)

Genes: TTN (titin; minus strand), TTN-AS1 (TTN antisense RNA 1; plus strand). Cytogenetic location: 2q31.2.
Variant type: single nucleotide variant.
Coding change: c.98319T>C on transcript NM_001267550.2 (MANE Select); coding-DNA position 98319, T replaced by C.
Protein change: p.Tyr32773=; no amino-acid change (tyrosine 32773 retained).
Molecular consequence: synonymous variant. On other transcripts: non-coding transcript variant (1).
Genome position (GRCh38, 1-based): chr2:178,539,746, A>G on the plus strand (T>C on the coding strand, the complement: TTN is on the minus strand). VCF-style: chr2-178539746-A-G. GRCh37 (hg19) VCF-style: chr2-179404473-A-G.
Other names: c.93396T>C, p.Tyr31132= (NM_001256850.1); c.71124T>C, p.Tyr23708= (NM_003319.4); c.90615T>C, p.Tyr30205= (NM_133378.4); c.71499T>C, p.Tyr23833= (NM_133432.3); c.71700T>C, p.Tyr23900= (NM_133437.4).
Identifiers: ClinVar variation 413182 (VCV000413182.22), dbSNP rs183278868, ClinGen allele CA1986395.